The following is an entry in ClinVar:

NM_000722.4(CACNA2D1):c.1991A>G (p.Asn664Ser)

Gene: CACNA2D1 (calcium voltage-gated channel auxiliary subunit alpha2delta 1; minus strand). Cytogenetic location: 7q21.11.
Variant type: single nucleotide variant.
Coding change: c.1991A>G on transcript NM_000722.4 (MANE Select); coding-DNA position 1991, A replaced by G.
Protein change: p.Asn664Ser; replaces asparagine 664 with serine.
Molecular consequence: missense variant.
Genome position (GRCh38, 1-based): chr7:81,974,517, T>C on the plus strand (A>G on the coding strand, the complement: CACNA2D1 is on the minus strand). VCF-style: chr7-81974517-T-C. GRCh37 (hg19) VCF-style: chr7-81603833-T-C.
Other names: c.2027A>G, p.Asn676Ser (NM_001366867.1); short protein forms N676S, N664S.
Identifiers: ClinVar variation 1902255 (VCV001902255.5), dbSNP rs145061599, ClinGen allele CA4317781.

ClinVar aggregate classification (germline): Uncertain significance (1 of 4 stars; one submission).

Conditions:
Brugada syndrome. Also called: Sudden unexpected nocturnal death syndrome; Sudden unexplained nocturnal death syndrome; Sudden Unexplained Death Syndrome; Sudden Unexplained Nocturnal Death Syndrome (SUNDS). Identifiers: Orphanet 130, MedGen C1142166, MONDO:0015263.

Allele frequency attached by ClinVar (database versions not stated): gnomAD exomes below 0.00001; gnomAD 0.00001; ExAC 0.00003; TOPMed 0.00005; ESP Exome Variant Server 0.00008.
gnomAD v4.1: 5 of 1,574,644 alleles (0.00032%); highest among the groups gnomAD compares: East Asian, 0.0068%; no homozygotes.

Submission:

Labcorp Genetics (formerly Invitae), Labcorp
Classification: Uncertain significance for Brugada syndrome. Last evaluated: 2023-04-10. Review status: criteria provided, single submitter. Criteria: Invitae Variant Classification Sherloc (09022015). Collection method: clinical testing. Allele origin: germline.
Comment: In summary, the available evidence is currently insufficient to determine the role of this variant in disease. Therefore, it has been classified as a Variant of Uncertain Significance. An algorithm developed to predict the effect of missense changes on protein structure and function (PolyPhen-2) suggests that this variant is likely to be disruptive. ClinVar contains an entry for this variant (Variation ID: 1902255). This variant has not been reported in the literature in individuals affected with CACNA2D1-related conditions. This variant is present in population databases (rs145061599, gnomAD 0.02%). This sequence change replaces asparagine, which is neutral and polar, with serine, which is neutral and polar, at codon 664 of the CACNA2D1 protein (p.Asn664Ser).